The following is an entry in ClinVar:

ClinVar aggregate classification (germline): Uncertain significance (1 of 4 stars; one submission).

Submission:

Labcorp Genetics (formerly Invitae), Labcorp
Classification: Uncertain significance. Last evaluated: 2023-01-07. Review status: criteria provided, single submitter. Criteria: Invitae Variant Classification Sherloc (09022015). Collection method: clinical testing. Allele origin: germline.
Comment: In summary, the available evidence is currently insufficient to determine the role of this variant in disease. Therefore, it has been classified as a Variant of Uncertain Significance. Algorithms developed to predict the effect of sequence changes on RNA splicing suggest that this variant may disrupt the consensus splice site. This variant has not been reported in the literature in individuals affected with P2RX2-related conditions. This variant is not present in population databases (gnomAD no frequency). This sequence change affects an acceptor splice site in intron 3 of the P2RX2 gene. It is expected to disrupt RNA splicing. Variants that disrupt the donor or acceptor splice site typically lead to a loss of protein function (PMID: 16199547), however the current clinical and genetic evidence is not sufficient to establish whether loss-of-function variants in P2RX2 cause disease.

Literature cited by the submitters: PubMed 16199547.

NM_170682.4(P2RX2):c.382-2A>C

Gene: P2RX2 (purinergic receptor P2X 2; plus strand). Cytogenetic location: 12q24.33.
Variant type: single nucleotide variant.
Coding change: c.382-2A>C on transcript NM_170682.4 (MANE Select); the canonical splice acceptor site of the intron before coding-DNA position 382, A replaced by C.
Molecular consequence: splice acceptor variant. On other transcripts: intron variant (1).
Genome position (GRCh38, 1-based): chr12:132,619,842, A>C. VCF-style: chr12-132619842-A-C. GRCh37 (hg19) VCF-style: chr12-133196428-A-C.
Other names: c.382-2A>C (NM_001282165.2, NM_170683.4, NM_174873.3); c.310-2A>C (NM_016318.4, NM_001282164.2); c.242-158A>C (NM_012226.5); c.106-2A>C (NM_174872.3).
Identifiers: ClinVar variation 2826833 (VCV002826833.3), dbSNP rs2541778878, ClinGen allele CA387358638.
Genomic context (GRCh38, chr12:132,619,842, plus strand): 5'-GCCTCAGCTAGGCGGGCCAGCTGTCCCTTGCGGGGTCCCTGACTGGGCCGCCTCCACCCT[A>C]GAGCATAAGGGTCCACAACGCCACCTGCCTCTCCGACGCCGACTGCGTGGCTGGGGAGCT-3'